The following is an entry in ClinVar:

ClinVar aggregate classification (germline): Likely benign. Review status: criteria provided, multiple submitters, no conflicts (2 of 4 stars). 5 submissions from 5 submitters: Likely benign (5). Last evaluated 2025-11-24.

Conditions:
Inborn genetic diseases. Identifiers: MedGen C0950123, MeSH D030342.
Developmental and epileptic encephalopathy, 33 (DEE33). Also called: Epileptic encephalopathy, early infantile, 33. Identifiers: Orphanet 442835, MedGen C4225337, MONDO:0014625, OMIM 616409.

Allele frequency attached by ClinVar (database versions not stated): TOPMed 0.00028.
gnomAD v4.1: 74 of 1,548,548 alleles (0.0048%); highest among the groups gnomAD compares: African/African-American, 0.075%; no homozygotes.

Submissions (5):

Labcorp Genetics (formerly Invitae), Labcorp
Classification: Likely benign for Developmental and epileptic encephalopathy, 33. Last evaluated: 2025-11-24. Review status: criteria provided, single submitter. Criteria: Invitae Variant Classification Sherloc (09022015). Collection method: clinical testing. Allele origin: germline.

Blueprint Genetics
Classification: Likely benign. Last evaluated: 2024-11-13. Review status: criteria provided, single submitter. Criteria: ACMG Guidelines, 2015. Collection method: clinical testing. Allele origin: germline.

CeGaT Center for Human Genetics Tuebingen
Classification: Likely benign. Last evaluated: 2023-05-01. Review status: criteria provided, single submitter. Criteria: CeGaT Center For Human Genetics Tuebingen Variant Classification Criteria Version 2. Collection method: clinical testing. Allele origin: germline. Affected: yes. Observed: 1 variant allele.
Comment: EEF1A2: BP4, BP7

GeneDx
Classification: Likely benign. Last evaluated: 2020-02-05. Review status: criteria provided, single submitter. Criteria: GeneDx Variant Classification Process June 2021. Collection method: clinical testing. Allele origin: germline. Affected: yes.

Ambry Genetics
Classification: Likely benign for Inborn genetic diseases. Last evaluated: 2017-11-10. Review status: criteria provided, single submitter. Criteria: Ambry Variant Classification Scheme 2023. Collection method: clinical testing. Allele origin: germline.

NM_001958.5(EEF1A2):c.714C>T (p.Pro238=)

Gene: EEF1A2 (eukaryotic translation elongation factor 1 alpha 2; minus strand). Cytogenetic location: 20q13.33.
Variant type: single nucleotide variant.
Coding change: c.714C>T on transcript NM_001958.5 (MANE Select); coding-DNA position 714, C replaced by T.
Protein change: p.Pro238=; no amino-acid change (proline 238 retained).
Molecular consequence: synonymous variant.
Genome position (GRCh38, 1-based): chr20:63,493,195, G>A on the plus strand (C>T on the coding strand, the complement: EEF1A2 is on the minus strand). VCF-style: chr20-63493195-G-A. GRCh37 (hg19) VCF-style: chr20-62124548-G-A.
Identifiers: ClinVar variation 389109 (VCV000389109.40), dbSNP rs557317848, ClinGen allele CA9959044.
Genomic context (GRCh38, chr20:63,493,195, plus strand): 5'-ACCGCCAATCTTGTACACGTCCTGCAGCGGCAGGCGCAGGGGCTTGTCCGTGGGGCGCGT[G>A]GGGGGCAGGATGGTGTCCAGGGCCTCCAGCAGGGACACGCCGCTTGCGTTGCCCTCCTTA-3'
Protein context (NP_001949.1, residues 228-248): LLEALDTILP[Pro238=]TRPTDKPLRL